The following is an entry in ClinVar:

ClinVar aggregate classification (germline): Uncertain significance (1 of 4 stars; one submission).

Conditions:
Developmental delay, hypotonia, musculoskeletal defects, and behavioral abnormalities. Identifiers: MedGen C5562012, MONDO:0859202, OMIM 619595.
Floating-Harbor syndrome (FLHS). Also called: SRCAP-Related Floating-Harbor Syndrome; Short stature with delayed bone age, expressive language delay, a triangular face with a prominent nose and deep-set eyes; Pelletier-Leisti syndrome. Identifiers: Orphanet 2044, MedGen C0729582, MONDO:0007621, OMIM 136140.

Submission:

Juno Genomics, Hangzhou Juno Genomics, Inc
Classification: Uncertain significance for Developmental delay, hypotonia, musculoskeletal defects, and behavioral abnormalities; Floating-Harbor syndrome. Review status: criteria provided, single submitter. Criteria: ACMG Guidelines, 2015. Collection method: clinical testing. Allele origin: germline.
Comment: Absent from controls (or at extremely low frequency if recessive) in Genome Aggregation Database.;Missense variant in a gene that has a low rate of benign missense variation.

NM_006662.3(SRCAP):c.4051G>C (p.Gly1351Arg)

Gene: SRCAP (Snf2 related CREBBP activator protein; plus strand). Cytogenetic location: 16p11.2.
Variant type: single nucleotide variant.
Coding change: c.4051G>C on transcript NM_006662.3 (MANE Select); coding-DNA position 4051, G replaced by C.
Protein change: p.Gly1351Arg; replaces glycine 1351 with arginine.
Molecular consequence: missense variant.
Genome position (GRCh38, 1-based): chr16:30,723,121, G>C. VCF-style: chr16-30723121-G-C. GRCh37 (hg19) VCF-style: chr16-30734442-G-C.
Other names: short protein forms G1351R.
Identifiers: ClinVar variation 5005570 (VCV005005570.2).